The following is an entry in ClinVar:

NM_032816.5(CEP89):c.1031G>T (p.Ser344Ile)

Gene: CEP89 (centrosomal protein 89; minus strand). Cytogenetic location: 19q13.11.
Variant type: single nucleotide variant.
Coding change: c.1031G>T on transcript NM_032816.5 (MANE Select); coding-DNA position 1031, G replaced by T.
Protein change: p.Ser344Ile; replaces serine 344 with isoleucine.
Molecular consequence: missense variant.
Genome position (GRCh38, 1-based): chr19:32,926,983, C>A on the plus strand (G>T on the coding strand, the complement: CEP89 is on the minus strand). VCF-style: chr19-32926983-C-A. GRCh37 (hg19) VCF-style: chr19-33417889-C-A.
Other names: short protein forms S344I.
Identifiers: ClinVar variation 2256411 (VCV002256411.4), dbSNP rs201851222, ClinGen allele CA9359434.
Genomic context (GRCh38, chr19:32,926,983, plus strand): 5'-CTTTCACTTACCAACCAGGGTGGTATAGGGCCCTTGGATGGGAGGCCTTCAATATTTAAG[C>A]TCTAAGAACAAAACATGTATTGAAGACAAGTTAAACCACACTTCCTCTGAATTTTCAAGT-3'
Protein context (NP_116205.3, residues 334-354): TKFRHLSKEE[Ser344Ile]LNIEGLPSKG

ClinVar aggregate classification (germline): Uncertain significance. Review status: criteria provided, multiple submitters, no conflicts (2 of 4 stars). 2 submissions from 2 submitters: Uncertain significance (2). Last evaluated 2024-07-19.

Allele frequency attached by ClinVar (database versions not stated): TOPMed below 0.00001; gnomAD 0.00002; gnomAD exomes 0.00002; ExAC 0.00003; 1000 Genomes Project 30x 0.00016; 1000 Genomes Project 0.00020.
gnomAD v4.1: 14 of 1,613,048 alleles (0.00087%); highest among the groups gnomAD compares: Admixed American, 0.023%; no homozygotes.

Submissions (2):

Labcorp Genetics (formerly Invitae), Labcorp
Classification: Uncertain significance. Last evaluated: 2024-07-19. Review status: criteria provided, single submitter. Criteria: Invitae Variant Classification Sherloc (09022015). Collection method: clinical testing. Allele origin: germline.
Comment: This sequence change replaces serine, which is neutral and polar, with isoleucine, which is neutral and non-polar, at codon 344 of the CEP89 protein (p.Ser344Ile). This variant is present in population databases (rs201851222, gnomAD 0.03%). This variant has not been reported in the literature in individuals affected with CEP89-related conditions. ClinVar contains an entry for this variant (Variation ID: 2256411). An algorithm developed to predict the effect of missense changes on protein structure and function outputs the following: PolyPhen-2: "Benign". The isoleucine amino acid residue is found in multiple mammalian species, which suggests that this missense change does not adversely affect protein function. In summary, the available evidence is currently insufficient to determine the role of this variant in disease. Therefore, it has been classified as a Variant of Uncertain Significance.

Ambry Genetics
Classification: Uncertain significance. Last evaluated: 2021-10-22. Review status: criteria provided, single submitter. Criteria: Ambry Variant Classification Scheme 2023. Collection method: clinical testing. Allele origin: germline.